The following is an entry in ClinVar:

NM_001244008.2(KIF1A):c.2088C>G (p.Asn696Lys)

Gene: KIF1A (kinesin family member 1A; minus strand). Cytogenetic location: 2q37.3.
Variant type: single nucleotide variant.
Coding change: c.2088C>G on transcript NM_001244008.2 (MANE Select); coding-DNA position 2088, C replaced by G.
Protein change: p.Asn696Lys; replaces asparagine 696 with lysine.
Molecular consequence: missense variant.
Genome position (GRCh38, 1-based): chr2:240,762,747, G>C on the plus strand (C>G on the coding strand, the complement: KIF1A is on the minus strand). VCF-style: chr2-240762747-G-C. GRCh37 (hg19) VCF-style: chr2-241702164-G-C.
Other names: c.2088C>G, p.Asn696Lys (NM_001320705.2, NM_001330289.2, NM_001379638.1); c.2163C>G, p.Asn721Lys (NM_001330290.2, NM_001379631.1, NM_001379634.1 and 2 more transcripts); c.2061C>G, p.Asn687Lys (NM_001379632.1, NM_001379633.1, NM_001379636.1 and 10 more transcripts); c.2136C>G, p.Asn712Lys (NM_001379637.1, NM_001379648.1); short protein forms N687K, N696K, N712K, N721K.
Identifiers: ClinVar variation 1703316 (VCV001703316.3), dbSNP rs758111969, ClinGen allele CA68172970.

ClinVar aggregate classification (germline): Uncertain significance. Review status: criteria provided, multiple submitters, no conflicts (2 of 4 stars). 2 submissions from 2 submitters: Uncertain significance (2). Last evaluated 2025-10-26.

Conditions:
Hereditary spastic paraplegia 30. Identifiers: Orphanet 101010, MedGen C5235139, MONDO:0012476.
Neuropathy, hereditary sensory, type 2C. Also called: Hereditary sensory and autonomic neuropathy type IIC; KIF1A-Related HSAN2 (HSAN2C). Identifiers: Orphanet 970, MedGen C3280168, MONDO:0013634, OMIM 614213.
Intellectual disability, autosomal dominant 9 (NESCAVS). Also called: NESCAV SYNDROME; KIF1A-Related Neurodevelopmental Disorder. Identifiers: Orphanet 662367, MedGen C5393830, MONDO:0013656, OMIM 614255.

gnomAD v4.1: 3 of 1,595,958 alleles (0.00019%); highest among the groups gnomAD compares: African/African-American, 0.004%; no homozygotes.

Submissions (2):

Labcorp Genetics (formerly Invitae), Labcorp
Classification: Uncertain significance for Hereditary spastic paraplegia 30; Neuropathy, hereditary sensory, type 2C; Intellectual disability, autosomal dominant 9. Last evaluated: 2025-10-26. Review status: criteria provided, single submitter. Criteria: Invitae Variant Classification Sherloc (09022015). Collection method: clinical testing. Allele origin: germline.
Comment: This sequence change replaces asparagine, which is neutral and polar, with lysine, which is basic and polar, at codon 687 of the KIF1A protein (p.Asn687Lys). This variant is not present in population databases (gnomAD no frequency). This variant has not been reported in the literature in individuals affected with KIF1A-related conditions. ClinVar contains an entry for this variant (Variation ID: 1703316). Invitae Evidence Modeling of protein sequence and biophysical properties (such as structural, functional, and spatial information, amino acid conservation, physicochemical variation, residue mobility, and thermodynamic stability) has been performed for this missense variant. However, the output from this modeling did not meet the statistical confidence thresholds required to predict the impact of this variant on KIF1A protein function. In summary, the available evidence is currently insufficient to determine the role of this variant in disease. Therefore, it has been classified as a Variant of Uncertain Significance.

GeneDx
Classification: Uncertain significance. Last evaluated: 2022-02-23. Review status: criteria provided, single submitter. Criteria: GeneDx Variant Classification Process June 2021. Collection method: clinical testing. Allele origin: germline. Affected: yes.
Comment: Not observed at significant frequency in large population cohorts (gnomAD); In silico analysis supports that this missense variant does not alter protein structure/function; Has not been previously published as pathogenic or benign to our knowledge